The following is an entry in ClinVar:

NM_001273.5(CHD4):c.2025-8T>C

Gene: CHD4 (chromodomain helicase DNA binding protein 4; minus strand). Cytogenetic location: 12p13.31.
Variant type: single nucleotide variant.
Coding change: c.2025-8T>C on transcript NM_001273.5 (MANE Select); 8 bases into the intron before coding-DNA position 2025, T replaced by C.
Molecular consequence: intron variant.
Genome position (GRCh38, 1-based): chr12:6,595,438, A>G on the plus strand (T>C on the coding strand, the complement: CHD4 is on the minus strand). VCF-style: chr12-6595438-A-G. GRCh37 (hg19) VCF-style: chr12-6704604-A-G.
Other names: c.1986-8T>C (NM_001363606.2); c.2004-8T>C (NM_001297553.2).
Identifiers: ClinVar variation 4885765 (VCV004885765.2).
Genomic context (GRCh38, chr12:6,595,438, plus strand): 5'-TCACCTTCTTGAGCTTCTTGCCTGGTCGGCCTTCCTCACCCCTCATTAACTCCCTAAAGA[A>G]GAAAGACATCACACAGCTGCCCAAAATCCTTTTCTATAGAAGAAACAACTTGGCCAGGCA-3'

ClinVar aggregate classification (germline): Uncertain significance (1 of 4 stars; one submission).

gnomAD v4.1: 2 of 1,612,350 alleles (0.00012%); highest among the groups gnomAD compares: Non-Finnish European, 0.00017%; no homozygotes.

Submission:

Dasa
Classification: Uncertain significance. Last evaluated: 2026-01-01. Review status: criteria provided, single submitter. Criteria: DASA Assertion Criteria. Collection method: clinical testing. Allele origin: germline.
Comment: NM_001273.5(CHD4):c.2025-8T>C is a splice-region variant. This variant is rare in population databases. Computational prediction algorithms are consistent with a benign effect. The currently available literature and clinical evidence are not sufficient to establish a definitive association between this variant and the reported condition. Therefore, this variant is classified as a variant of uncertain significance.